The following is an entry in ClinVar:

ClinVar aggregate classification (germline): Likely pathogenic (1 of 4 stars; one submission).

Conditions:
Ellis-van Creveld syndrome (EVC). Also called: EVC-Related Ellis-van Creveld Syndrome; EVC2-Related Ellis-van Creveld Syndrome; MESOECTODERMAL DYSPLASIA; Chondroectodermal dysplasia. Identifiers: Orphanet 289, MedGen C0013903, MONDO:0009162, OMIM 225500.

Submission:

Myriad Genetics, Inc.
Classification: Likely pathogenic for Ellis-van Creveld syndrome. Last evaluated: 2022-03-08. Review status: criteria provided, single submitter. Criteria: Myriad Women's Health Autosomal Recessive and X-Linked Classification Criteria (2021). Collection method: clinical testing. Allele origin: unknown.
Comment: NM_153717.2(EVC):c.26_36del11(K9Tfs*60) is expected to be pathogenic in the context of EVC-related Ellis-van Creveld syndrome. This variant is predicted to lead to an abnormal or absent protein product due to the creation of a premature termination codon in EVC, a gene where loss-of-function variants are known to be pathogenic. Please note: this variant was assessed in the context of healthy population screening.

NM_153717.3(EVC):c.26_36del (p.Lys9fs)

Genes: EVC (EvC ciliary complex subunit 1; plus strand), LOC129992144 (ATAC-STARR-seq lymphoblastoid silent region 15223; plus strand). Cytogenetic location: 4p16.2.
Variant type: Deletion.
Coding change: c.26_36del on transcript NM_153717.3 (MANE Select); coding-DNA positions 26 to 36, 11 bases deleted (AGAGCGACGCG).
Protein change: p.Lys9fs; shifts the reading frame from lysine 9.
Molecular consequence: frameshift variant.
Genome position (GRCh38, 1-based): chr4:5,711,406-5,711,416, AGAGCGACGCG deleted. VCF-style (leftmost placement, unchanged base first): chr4-5711405-AAGAGCGACGCG-A. GRCh37 (hg19) VCF-style: chr4-5713132-AAGAGCGACGCG-A.
Other names: c.26_36del, p.Lys9fs (NM_001306090.2, NM_001306092.2); short protein forms K9fs.
Identifiers: ClinVar variation 1725126 (VCV001725126.2), dbSNP rs2474192093, ClinGen allele CA2580070793.